The following is an entry in ClinVar:

NM_080386.4(TUBA3D):c.910A>G (p.Lys304Glu)

Genes: MZT2A (mitotic spindle organizing protein 2A; minus strand), TUBA3D (tubulin alpha 3d; plus strand). Cytogenetic location: 2q21.1.
Variant type: single nucleotide variant.
Coding change: c.910A>G on transcript NM_080386.4 (MANE Select); coding-DNA position 910, A replaced by G.
Protein change: p.Lys304Glu; replaces lysine 304 with glutamic acid.
Molecular consequence: missense variant.
Genome position (GRCh38, 1-based): chr2:131,480,603, A>G. VCF-style: chr2-131480603-A-G. GRCh37 (hg19) VCF-style: chr2-132238176-A-G.
Other names: short protein forms K304E.
Identifiers: ClinVar variation 2517106 (VCV002517106.4), dbSNP rs745833665, ClinGen allele CA1878093.

ClinVar aggregate classification (germline): Uncertain significance. Review status: criteria provided, multiple submitters, no conflicts (2 of 4 stars). 2 submissions from 2 submitters: Uncertain significance (2). Last evaluated 2023-05-03.

Conditions:
Keratoconus 9. Identifiers: MedGen C4693660, MONDO:0054771, OMIM 617928.

Allele frequency attached by ClinVar (database versions not stated): gnomAD 0.00002; gnomAD exomes 0.00003; TOPMed 0.00004; ExAC 0.00008.
gnomAD v4.1: 23 of 1,613,172 alleles (0.0014%); highest among the groups gnomAD compares: East Asian, 0.047%; no homozygotes.

Submissions (2):

Ambry Genetics
Classification: Uncertain significance. Last evaluated: 2023-05-03. Review status: criteria provided, single submitter. Criteria: Ambry Variant Classification Scheme 2023. Collection method: clinical testing. Allele origin: germline.

Juno Genomics, Hangzhou Juno Genomics, Inc
Classification: Uncertain significance for Keratoconus 9. Review status: criteria provided, single submitter. Criteria: ACMG Guidelines, 2015. Collection method: clinical testing. Allele origin: germline.
Comment: Absent from controls (or at extremely low frequency if recessive) in Genome Aggregation Database.;Multiple lines of computational evidence support a deleterious effect on the gene or gene product.;Missense variant in a gene that has a low rate of benign missense variation.